The following is an entry in ClinVar:

NM_016562.4(TLR7):c.2251T>A (p.Tyr751Asn)

Gene: TLR7 (toll like receptor 7; plus strand). Cytogenetic location: Xp22.2.
Variant type: single nucleotide variant.
Coding change: c.2251T>A on transcript NM_016562.4 (MANE Select); coding-DNA position 2251, T replaced by A.
Protein change: p.Tyr751Asn; replaces tyrosine 751 with asparagine.
Molecular consequence: missense variant.
Genome position (GRCh38, 1-based): chrX:12,887,759, T>A. VCF-style: chrX-12887759-T-A. GRCh37 (hg19) VCF-style: chrX-12905878-T-A.
Other names: short protein forms Y751N.
Identifiers: ClinVar variation 4807759 (VCV004807759.1).

ClinVar aggregate classification (germline): Uncertain significance (1 of 4 stars; one submission).

Submission:

Labcorp Genetics (formerly Invitae), Labcorp
Classification: Uncertain significance. Last evaluated: 2025-03-04. Review status: criteria provided, single submitter. Criteria: Invitae Variant Classification Sherloc (09022015). Collection method: clinical testing. Allele origin: germline.
Comment: This sequence change replaces tyrosine, which is neutral and polar, with asparagine, which is neutral and polar, at codon 751 of the TLR7 protein (p.Tyr751Asn). This variant is not present in population databases (gnomAD no frequency). This variant has not been reported in the literature in individuals affected with TLR7-related conditions. An algorithm developed to predict the effect of missense changes on protein structure and function (PolyPhen-2) suggests that this variant is likely to be tolerated. In summary, the available evidence is currently insufficient to determine the role of this variant in disease. Therefore, it has been classified as a Variant of Uncertain Significance.